The following is an entry in ClinVar:

NM_182961.4(SYNE1):c.22060T>C (p.Tyr7354His)

Gene: SYNE1 (spectrin repeat containing nuclear envelope protein 1; minus strand). Cytogenetic location: 6q25.2.
Variant type: single nucleotide variant.
Coding change: c.22060T>C on transcript NM_182961.4 (MANE Select); coding-DNA position 22060, T replaced by C.
Protein change: p.Tyr7354His; replaces tyrosine 7354 with histidine.
Molecular consequence: missense variant.
Genome position (GRCh38, 1-based): chr6:152,218,388, A>G on the plus strand (T>C on the coding strand, the complement: SYNE1 is on the minus strand). VCF-style: chr6-152218388-A-G. GRCh37 (hg19) VCF-style: chr6-152539523-A-G.
Other names: c.21847T>C, p.Tyr7283His (NM_033071.5); short protein forms Y7354H, Y7283H.
Identifiers: ClinVar variation 650390 (VCV000650390.6), dbSNP rs944485518, ClinGen allele CA366102766.
Genomic context (GRCh38, chr6:152,218,388, plus strand): 5'-TTTCTTCAGCTTCCACTATCCAGGCCTCCAAAGCTTCTAAACTCTTGGCAAAGGTTTCAT[A>G]ATCAAGAACTCCAGCCTTTTTTTCCACAAAAGAAATTGGTATTTCAGTTAAAAAAAAAAA-3'
Protein context (NP_892006.3, residues 7344-7364): QTSLQAGVLD[Tyr7354His]ETFAKSLEAL

ClinVar aggregate classification (germline): Uncertain significance (1 of 4 stars; one submission).

Conditions:
Emery-Dreifuss muscular dystrophy 4, autosomal dominant (EDMD4). Also called: EMERY-DREIFUSS MUSCULAR DYSTROPHY 4 WITH VARIABLE FEATURES. Identifiers: Orphanet 261, MedGen C2751807, MONDO:0013071, OMIM 612998.
Autosomal recessive ataxia, Beauce type. Also called: Spinocerebellar ataxia, autosomal recessive 8; ATAXIA, RECESSIVE, OF BEAUCE; SYNE1-Related Autosomal Recessive Cerebellar Ataxia; SYNE1 Deficiency. Identifiers: Orphanet 88644, MedGen C1853116, MONDO:0012549, OMIM 610743.

gnomAD v4.1: 1 of 1,613,976 alleles (0.000062%); highest among the groups gnomAD compares: Non-Finnish European, 0.000085%; no homozygotes.

Submission:

Labcorp Genetics (formerly Invitae), Labcorp
Classification: Uncertain significance for Emery-Dreifuss muscular dystrophy 4, autosomal dominant; Autosomal recessive ataxia, Beauce type. Last evaluated: 2021-08-27. Review status: criteria provided, single submitter. Criteria: Invitae Variant Classification Sherloc (09022015). Collection method: clinical testing. Allele origin: germline.
Comment: This sequence change replaces tyrosine with histidine at codon 7283 of the SYNE1 protein (p.Tyr7283His). The tyrosine residue is highly conserved and there is a moderate physicochemical difference between tyrosine and histidine. This variant is not present in population databases (ExAC no frequency). This variant has not been reported in the literature in individuals affected with SYNE1-related conditions. Algorithms developed to predict the effect of missense changes on protein structure and function (SIFT, PolyPhen-2, Align-GVGD) all suggest that this variant is likely to be disruptive. In summary, the available evidence is currently insufficient to determine the role of this variant in disease. Therefore, it has been classified as a Variant of Uncertain Significance.